The following is an entry in ClinVar:

ClinVar aggregate classification (germline): Uncertain significance (1 of 4 stars; one submission).

Conditions:
Charcot-Marie-Tooth disease axonal type 2C (HMSN2C). Also called: Charcot-Marie-Tooth Disease Type 2, TRPV4-Related (CMT2C); CHARCOT-MARIE-TOOTH DISEASE, AXONAL, AUTOSOMAL DOMINANT, TYPE 2C; Charcot-Marie-Tooth Neuropathy Type 2C. Identifiers: Orphanet 99937, MedGen C1853710, MONDO:0011633, OMIM 606071.

Allele frequency attached by ClinVar (database versions not stated): gnomAD exomes below 0.00001.
gnomAD v4.1: 1 of 1,613,306 alleles (0.000062%); highest among the groups gnomAD compares: Non-Finnish European, 0.000085%; no homozygotes.

Submission:

Labcorp Genetics (formerly Invitae), Labcorp
Classification: Uncertain significance for Charcot-Marie-Tooth disease axonal type 2C. Last evaluated: 2020-12-09. Review status: criteria provided, single submitter. Criteria: Invitae Variant Classification Sherloc (09022015). Collection method: clinical testing. Allele origin: germline.
Comment: In summary, the available evidence is currently insufficient to determine the role of this variant in disease. Therefore, it has been classified as a Variant of Uncertain Significance. Advanced modeling of protein sequence and biophysical properties (such as structural, functional, and spatial information, amino acid conservation, physicochemical variation, residue mobility, and thermodynamic stability) performed at Invitae indicates that this missense variant is not expected to disrupt TRPV4 protein function. This variant has not been reported in the literature in individuals with TRPV4-related conditions. This variant is not present in population databases (ExAC no frequency). This sequence change replaces threonine with asparagine at codon 486 of the TRPV4 protein (p.Thr486Asn). The threonine residue is moderately conserved and there is a small physicochemical difference between threonine and asparagine.

NM_021625.5(TRPV4):c.1457C>A (p.Thr486Asn)

Gene: TRPV4 (transient receptor potential cation channel subfamily V member 4; minus strand). Cytogenetic location: 12q24.11.
Variant type: single nucleotide variant.
Coding change: c.1457C>A on transcript NM_021625.5 (MANE Select); coding-DNA position 1457, C replaced by A.
Protein change: p.Thr486Asn; replaces threonine 486 with asparagine.
Molecular consequence: missense variant.
Genome position (GRCh38, 1-based): chr12:109,794,363, G>T on the plus strand (C>A on the coding strand, the complement: TRPV4 is on the minus strand). VCF-style: chr12-109794363-G-T. GRCh37 (hg19) VCF-style: chr12-110232168-G-T.
Other names: c.1355C>A, p.Thr452Asn (NM_001177431.2); c.1136C>A, p.Thr379Asn (NM_001177433.2); c.1316C>A, p.Thr439Asn (NM_001177428.2); c.1277C>A, p.Thr426Asn (NM_147204.3); short protein forms T452N, T426N, T439N, T486N, T379N.
Identifiers: ClinVar variation 1428713 (VCV001428713.8), dbSNP rs2136483803, ClinGen allele CA386652850.